The following is an entry in ClinVar:

NM_173630.4(RTTN):c.6005A>G (p.His2002Arg)

Gene: RTTN (rotatin; minus strand). Cytogenetic location: 18q22.2.
Variant type: single nucleotide variant.
Coding change: c.6005A>G on transcript NM_173630.4 (MANE Select); coding-DNA position 6005, A replaced by G.
Protein change: p.His2002Arg; replaces histidine 2002 with arginine.
Molecular consequence: missense variant.
Genome position (GRCh38, 1-based): chr18:70,020,763, T>C on the plus strand (A>G on the coding strand, the complement: RTTN is on the minus strand). VCF-style: chr18-70020763-T-C. GRCh37 (hg19) VCF-style: chr18-67687999-T-C.
Other names: c.3269A>G, p.His1090Arg (NM_001318520.2); short protein forms H1090R, H2002R.
Identifiers: ClinVar variation 1929963 (VCV001929963.2), dbSNP rs373682582, ClinGen allele CA8994781.
Genomic context (GRCh38, chr18:70,020,763, plus strand): 5'-GGCATCTGGGAAGCCAACTTTAGGATACACAGCATCAGAGAGTTGCTCACGGCTCCTCTA[T>C]GTGTAGCTTGAACAGGGTGTTGTCCACAACTTGACCAACAAAGAGAACTGCAACCTTCAA-3'
Protein context (NP_775901.3, residues 1992-2012): SCGQHPVQAT[His2002Arg]RGAVSNSLML

ClinVar aggregate classification (germline): Uncertain significance (1 of 4 stars; one submission).

Allele frequency attached by ClinVar (database versions not stated): gnomAD 0.00001; ExAC 0.00002; TOPMed 0.00002; ESP Exome Variant Server 0.00008.
gnomAD v4.1: 1 of 1,613,930 alleles (0.000062%); highest among the groups gnomAD compares: African/African-American, 0.0013%; no homozygotes.

Submission:

Labcorp Genetics (formerly Invitae), Labcorp
Classification: Uncertain significance. Last evaluated: 2022-08-12. Review status: criteria provided, single submitter. Criteria: Invitae Variant Classification Sherloc (09022015). Collection method: clinical testing. Allele origin: germline.
Comment: This sequence change replaces histidine, which is basic and polar, with arginine, which is basic and polar, at codon 2002 of the RTTN protein (p.His2002Arg). This variant is present in population databases (rs373682582, gnomAD 0.007%). This variant has not been reported in the literature in individuals affected with RTTN-related conditions. Algorithms developed to predict the effect of missense changes on protein structure and function (SIFT, PolyPhen-2, Align-GVGD) all suggest that this variant is likely to be tolerated. In summary, the available evidence is currently insufficient to determine the role of this variant in disease. Therefore, it has been classified as a Variant of Uncertain Significance.